The following is an entry in ClinVar:

ClinVar aggregate classification (germline): Uncertain significance (1 of 4 stars; one submission).

Conditions:
Cardiovascular phenotype. Identifiers: MedGen CN230736.

Submission:

Ambry Genetics
Classification: Uncertain significance for Cardiovascular phenotype. Last evaluated: 2025-03-23. Review status: criteria provided, single submitter. Criteria: Ambry Variant Classification Scheme 2023. Collection method: clinical testing. Allele origin: germline.
Comment: The p.D2116H variant (also known as c.6346G>C), located in coding exon 38 of the FLNC gene, results from a G to C substitution at nucleotide position 6346. The aspartic acid at codon 2116 is replaced by histidine, an amino acid with similar properties. This amino acid position is conserved. In addition, this alteration is predicted to be deleterious by in silico analysis. Since supporting evidence is limited at this time, the clinical significance of this alteration remains unclear.

NM_001458.5(FLNC):c.6346G>C (p.Asp2116His)

Genes: FLNC (filamin C; plus strand), FLNC-AS1 (FLNC antisense RNA 1; minus strand). Cytogenetic location: 7q32.1.
Variant type: single nucleotide variant.
Coding change: c.6346G>C on transcript NM_001458.5 (MANE Select); coding-DNA position 6346, G replaced by C.
Protein change: p.Asp2116His; replaces aspartic acid 2116 with histidine.
Molecular consequence: missense variant.
Genome position (GRCh38, 1-based): chr7:128,853,606, G>C. VCF-style: chr7-128853606-G-C. GRCh37 (hg19) VCF-style: chr7-128493660-G-C.
Other names: c.6247G>C, p.Asp2083His (NM_001127487.2); short protein forms D2116H, D2083H.
Identifiers: ClinVar variation 1752976 (VCV001752976.3), dbSNP rs1233400998, ClinGen allele CA369212311.